The following is an entry in ClinVar:

ClinVar aggregate classification (germline): Uncertain significance (1 of 4 stars; one submission).

Submission:

Labcorp Genetics (formerly Invitae), Labcorp
Classification: Uncertain significance. Last evaluated: 2021-11-01. Review status: criteria provided, single submitter. Criteria: Invitae Variant Classification Sherloc (09022015). Collection method: clinical testing. Allele origin: germline.
Comment: Experimental studies and prediction algorithms are not available or were not evaluated, and the functional significance of this variant is currently unknown. In summary, the available evidence is currently insufficient to determine the role of this variant in disease. Therefore, it has been classified as a Variant of Uncertain Significance. This variant, c.2092_2094del, results in the deletion of 1 amino acid(s) of the PDZD7 protein (p.Leu698del), but otherwise preserves the integrity of the reading frame. This variant is not present in population databases (gnomAD no frequency). This variant has not been reported in the literature in individuals affected with PDZD7-related conditions.

NM_001195263.2(PDZD7):c.2092_2094del (p.Leu698del)

Gene: PDZD7 (PDZ domain containing 7; minus strand). Cytogenetic location: 10q24.31.
Variant type: Deletion.
Coding change: c.2092_2094del on transcript NM_001195263.2 (MANE Select); coding-DNA positions 2092 to 2094, 3 bases deleted (CTC; older notation c.2092_2094delCTC).
Protein change: p.Leu698del; deletes leucine 698.
Molecular consequence: inframe deletion.
Genome position (GRCh38, 1-based): chr10:101,010,795-101,010,797, GAG deleted on the plus strand (CTC on the coding strand, the reverse complement: PDZD7 is on the minus strand); deleting any 3 consecutive bases within chr10:101,010,795-101,010,798 gives the same sequence; the c. name uses the placement nearest the transcript's 3' end. VCF-style (leftmost placement, unchanged base first): chr10-101010794-TGAG-T. GRCh37 (hg19) VCF-style: chr10-102770551-TGAG-T.
Other names: short protein forms L698del.
Identifiers: ClinVar variation 1499372 (VCV001499372.6), dbSNP rs2134000249, ClinGen allele CA2573145511.